The following is an entry in ClinVar:

NM_205834.4(LSR):c.1494C>T (p.Ser498=)

Gene: LSR (lipolysis stimulated lipoprotein receptor; plus strand). Cytogenetic location: 19q13.12.
Variant type: single nucleotide variant.
Coding change: c.1494C>T on transcript NM_205834.4 (MANE Select); coding-DNA position 1494, C replaced by T.
Protein change: p.Ser498=; no amino-acid change (serine 498 retained).
Molecular consequence: synonymous variant.
Genome position (GRCh38, 1-based): chr19:35,267,458, C>T. VCF-style: chr19-35267458-C-T. GRCh37 (hg19) VCF-style: chr19-35758361-C-T.
Other names: c.1434C>T, p.Ser478= (NM_001260489.2); c.1170C>T, p.Ser390= (NM_001260490.2); c.1287C>T, p.Ser429= (NM_001385215.1); c.1437C>T, p.Ser479= (NM_015925.7); c.1290C>T, p.Ser430= (NM_205835.4).
Identifiers: ClinVar variation 5000315 (VCV005000315.1).

ClinVar aggregate classification (germline): Likely benign (1 of 4 stars; one submission).

Conditions:
LSR-related condition.

gnomAD v4.1: 31 of 1,610,602 alleles (0.0019%); highest among the groups gnomAD compares: Non-Finnish European, 0.0024%; no homozygotes.

Submission:

PreventionGenetics, part of Exact Sciences
Classification: Likely benign for LSR-related condition. Last evaluated: 2026-08-11. Review status: criteria provided, single submitter. Criteria: ACMG Guidelines, 2015. Collection method: clinical testing. Allele origin: germline.
Comment: This variant is classified as likely benign based on ACMG/AMP sequence variant interpretation guidelines (Richards et al. 2015 PMID: 25741868, with internal and published modifications).